The following is an entry in ClinVar:

ClinVar aggregate classification (germline): Pathogenic/Likely pathogenic. Review status: criteria provided, multiple submitters, no conflicts (2 of 4 stars). 3 submissions from 3 submitters: Pathogenic (1); Likely pathogenic (1). 1 of the submissions does not count toward it. Last evaluated 2025-08-14.

Conditions:
Mucopolysaccharidosis, MPS-III-B (MPS3B). Also called: MPS III B; MUCOPOLYSACCHARIDOSIS, TYPE IIIB; N-ACETYL-ALPHA-D-GLUCOSAMINIDASE DEFICIENCY; NAGLU DEFICIENCY; SANFILIPPO SYNDROME B; Mucopolysaccharidosis type IIIB (Sanfilippo B). Identifiers: Orphanet 79270, MedGen C0086648, MONDO:0009656, OMIM 252920.
Charcot-Marie-Tooth disease axonal type 2V. Also called: CHARCOT-MARIE-TOOTH NEUROPATHY, TYPE 2V; CHARCOT-MARIE-TOOTH DISEASE, AXONAL, AUTOSOMAL DOMINANT, TYPE 2V. Identifiers: Orphanet 447964, MedGen C5569050, MONDO:0014665, OMIM 616491.

Allele frequency attached by ClinVar (database versions not stated): gnomAD exomes below 0.00001 and 0.00001.

Submissions (3):

Natera, Inc.
Classification: Likely pathogenic for Mucopolysaccharidosis type IIIB. Last evaluated: 2025-08-14. Review status: criteria provided, single submitter. Criteria: Natera Variant Classification Schema (03/2026). Collection method: clinical testing. Allele origin: germline.
Comment: The c.1200del variant in NAGLU is a frameshift variant predicted to shift the reading frame beginning at codon 400 and leads to a stop codon 21 codons downstream. This variant is expected to result in nonsense mediated decay, truncation, or a dysfunctional protein product. This variant is rare in the general population with a frequency below the threshold expected for the associated phenotype(s). Given the available evidence, this variant is classified as Likely Pathogenic.

Labcorp Genetics (formerly Invitae), Labcorp
Classification: Pathogenic for Charcot-Marie-Tooth disease axonal type 2V; Mucopolysaccharidosis, MPS-III-B. Last evaluated: 2024-02-01. Review status: criteria provided, single submitter. Criteria: Invitae Variant Classification Sherloc (09022015). Collection method: clinical testing. Allele origin: germline.
Comment: This sequence change creates a premature translational stop signal (p.Gln400Hisfs*21) in the NAGLU gene. While this is not anticipated to result in nonsense mediated decay, it is expected to disrupt the last 344 amino acid(s) of the NAGLU protein. This variant is present in population databases (no rsID available, gnomAD 0.002%). This variant has not been reported in the literature in individuals affected with NAGLU-related conditions. ClinVar contains an entry for this variant (Variation ID: 556805). This variant disrupts a region of the NAGLU protein in which other variant(s) (p.Gln706*) have been determined to be pathogenic (PMID: 9443875, 29661560). This suggests that this is a clinically significant region of the protein, and that variants that disrupt it are likely to be disease-causing. For these reasons, this variant has been classified as Pathogenic.

Counsyl
Classification: Likely pathogenic for Mucopolysaccharidosis, MPS-III-B. Last evaluated: 2018-02-20. Review status: no assertion criteria provided. Collection method: clinical testing. Allele origin: unknown. Not counted in ClinVar's aggregate classification.

Literature cited by the submitters: PubMed 9443875 (cited by Labcorp Genetics (formerly Invitae), Labcorp); PubMed 29661560 (cited by Labcorp Genetics (formerly Invitae), Labcorp).

NM_000263.4(NAGLU):c.1200del (p.Gln400fs)

Gene: NAGLU (N-acetyl-alpha-glucosaminidase; plus strand). Cytogenetic location: 17q21.2.
Variant type: Deletion.
Coding change: c.1200del on transcript NM_000263.4 (MANE Select); coding-DNA position 1200, one base deleted (G; older notation c.1200delG).
Protein change: p.Gln400fs; shifts the reading frame from glutamine 400.
Molecular consequence: frameshift variant.
Genome position (GRCh38, 1-based): chr17:42,543,206, G deleted. VCF-style (leftmost placement, unchanged base first): chr17-42543205-AG-A. GRCh37 (hg19) VCF-style: chr17-40695223-AG-A.
Other names: c.1200delG (NM_000263.3); c.1200del (NM_000263.3); short protein forms Q400fs.
Identifiers: ClinVar variation 556805 (VCV000556805.10), dbSNP rs1485628563, ClinGen allele CA626218621.